The following is an entry in ClinVar:

NM_005215.4(DCC):c.709C>T (p.His237Tyr)

Gene: DCC (DCC netrin 1 receptor; plus strand). Cytogenetic location: 18q21.2.
Variant type: single nucleotide variant.
Coding change: c.709C>T on transcript NM_005215.4 (MANE Select); coding-DNA position 709, C replaced by T.
Protein change: p.His237Tyr; replaces histidine 237 with tyrosine.
Molecular consequence: missense variant.
Genome position (GRCh38, 1-based): chr18:52,923,718, C>T. VCF-style: chr18-52923718-C-T. GRCh37 (hg19) VCF-style: chr18-50450088-C-T.
Other names: short protein forms H237Y.
Identifiers: ClinVar variation 3052273 (VCV003052273.2), dbSNP rs201234438, ClinGen allele CA8966623.

ClinVar aggregate classification (germline): Benign (0 of 4 stars; one submission).

Conditions:
DCC-related disorder. Also called: DCC-related condition.

Allele frequency attached by ClinVar (database versions not stated): TOPMed 0.00004; gnomAD 0.00038; gnomAD exomes 0.00062; ExAC 0.00167; 1000 Genomes Project 0.00339; 1000 Genomes Project 30x 0.00344.
gnomAD v4.1: 970 of 1,606,710 alleles (0.06%); highest among the groups gnomAD compares: South Asian, 1%; 20 homozygotes.

Submission:

PreventionGenetics, part of Exact Sciences
Classification: Benign for DCC-related condition. Last evaluated: 2019-02-21. Review status: no assertion criteria provided. Collection method: clinical testing. Allele origin: germline.
Comment: This variant is classified as benign based on ACMG/AMP sequence variant interpretation guidelines (Richards et al. 2015 PMID: 25741868, with internal and published modifications).